The following is an entry in ClinVar:

ClinVar aggregate classification (germline): Uncertain significance (1 of 4 stars; one submission).

Submission:

Women's Health and Genetics/Laboratory Corporation of America, LabCorp
Classification: Uncertain significance. Last evaluated: 2022-05-06. Review status: criteria provided, single submitter. Criteria: LabCorp Variant Classification Summary - May 2015. Collection method: clinical testing. Allele origin: germline.
Comment: Variant summary: TMEM237 c.553+4delA alters a conserved nucleotide located close to a canonical splice site and therefore could affect mRNA splicing, leading to a significantly altered protein sequence. Several computational tools predict a significant impact on normal splicing: Four predict the variant abolishes a 5' splicing donor site. However, these predictions have yet to be confirmed by functional studies. The variant was absent in 248756 control chromosomes (gnomAD). The available data on variant occurrences in the general population are insufficient to allow any conclusion about variant significance. To our knowledge, no occurrence of c.553+4delA in individuals affected with Joubert Syndrome And Related Disorders and no experimental evidence demonstrating its impact on protein function have been reported. No clinical diagnostic laboratories have submitted clinical-significance assessments for this variant to ClinVar after 2014. Based on the evidence outlined above, the variant was classified as uncertain significance.

NM_001044385.3(TMEM237):c.553+4del

Gene: TMEM237 (transmembrane protein 237; minus strand). Cytogenetic location: 2q33.1.
Variant type: Deletion.
Coding change: c.553+4del on transcript NM_001044385.3 (MANE Select); 4 bases into the intron after coding-DNA position 553, one base deleted (A; older notation c.553+4delA).
Molecular consequence: intron variant.
Genome position (GRCh38, 1-based): chr2:201,632,047, T deleted on the plus strand (A on the coding strand, the reverse complement: TMEM237 is on the minus strand); the first of 2 consecutive T bases (chr2:201,632,047-201,632,048); deleting either gives the same sequence. VCF-style (leftmost placement, unchanged base first): chr2-201632046-CT-C. GRCh37 (hg19) VCF-style: chr2-202496769-CT-C.
Other names: c.529+4del (NM_152388.4).
Identifiers: ClinVar variation 1696161 (VCV001696161.1), dbSNP rs1957812369, ClinGen allele CA2580065466.
Genomic context (GRCh38, chr2:201,632,046, plus strand): 5'-AGTATAAAGGATATCCTTGGACAATTTTTAAAGAGTTCATATTCTAAAACAAGGCATCTA[CT>C]TACGGCTTTTTTCCACAAATACTTTGCCTACAGGCTGGCTAATGCCAGTGGGTGCAGTGA-3'